The following is an entry in ClinVar:

NM_015915.5(ATL1):c.756C>A (p.Asn252Lys)

Gene: ATL1 (atlastin GTPase 1; plus strand). Cytogenetic location: 14q22.1.
Variant type: single nucleotide variant.
Coding change: c.756C>A on transcript NM_015915.5 (MANE Select); coding-DNA position 756, C replaced by A.
Protein change: p.Asn252Lys; replaces asparagine 252 with lysine.
Molecular consequence: missense variant.
Genome position (GRCh38, 1-based): chr14:50,614,405, C>A. VCF-style: chr14-50614405-C-A. GRCh37 (hg19) VCF-style: chr14-51081123-C-A.
Other names: c.756C>A, p.Asn252Lys (NM_001127713.1, NM_181598.4); short protein forms N252K.
Identifiers: ClinVar variation 661543 (VCV000661543.11), dbSNP rs771031586, ClinGen allele CA389671545.

ClinVar aggregate classification (germline): Conflicting classifications of pathogenicity. Review status: criteria provided, conflicting classifications (1 of 4 stars). 2 submissions from 2 submitters: Pathogenic (1); Uncertain significance (1). Last evaluated 2024-10-22.

Conditions:
ATL1-related disorder. Also called: ATL1-related condition.
Hereditary spastic paraplegia 3A (SPG3A). Also called: SPASTIC PARAPLEGIA 3, AUTOSOMAL DOMINANT; FAMILIAL SPASTIC PARAPLEGIA, AUTOSOMAL DOMINANT, 1; SPG3; STRUMPELL DISEASE; Spastic Paraplegia 3A; Spastic paraplegia 3A, autosomal dominant. Identifiers: Orphanet 100984, MedGen C2931355, MONDO:0008437, OMIM 182600.

Submissions (2):

Blueprint Genetics
Classification: Pathogenic for ATL1-related disorders. Last evaluated: 2024-10-22. Review status: criteria provided, single submitter. Criteria: ACMG Guidelines, 2015. Collection method: clinical testing. Allele origin: germline. Affected: yes. Observed: 1 variant allele.

Labcorp Genetics (formerly Invitae), Labcorp
Classification: Uncertain significance for Hereditary spastic paraplegia 3A. Last evaluated: 2019-10-11. Review status: criteria provided, single submitter. Criteria: Invitae Variant Classification Sherloc (09022015). Collection method: clinical testing. Allele origin: germline.
Comment: In summary, the available evidence is currently insufficient to determine the role of this variant in disease. Therefore, it has been classified as a Variant of Uncertain Significance. Algorithms developed to predict the effect of missense changes on protein structure and function (SIFT, PolyPhen-2, Align-GVGD) all suggest that this variant is likely to be tolerated, but these predictions have not been confirmed by published functional studies and their clinical significance is uncertain. This variant has not been reported in the literature in individuals with ATL1-related disease. This variant is not present in population databases (ExAC no frequency). This sequence change replaces asparagine with lysine at codon 252 of the ATL1 protein (p.Asn252Lys). The asparagine residue is highly conserved and there is a moderate physicochemical difference between asparagine and lysine.